The following is an entry in ClinVar:

NM_003900.5(SQSTM1):c.97G>A (p.Ala33Thr)

Gene: SQSTM1 (sequestosome 1; plus strand). Cytogenetic location: 5q35.3.
Variant type: single nucleotide variant.
Coding change: c.97G>A on transcript NM_003900.5 (MANE Select); coding-DNA position 97, G replaced by A.
Protein change: p.Ala33Thr; replaces alanine 33 with threonine.
Molecular consequence: missense variant. On other transcripts: intron variant (2).
Genome position (GRCh38, 1-based): chr5:179,821,033, G>A. VCF-style: chr5-179821033-G-A. GRCh37 (hg19) VCF-style: chr5-179248033-G-A.
Other names: c.97G>A (NM_003900.4); c.-47-1925G>A (NM_001142298.2, NM_001142299.2); short protein forms A33T.
Identifiers: ClinVar variation 2950127 (VCV002950127.4), dbSNP rs1156716975, ClinGen allele CA362442352.

ClinVar aggregate classification (germline): Uncertain significance. Review status: criteria provided, multiple submitters, no conflicts (2 of 4 stars). 2 submissions from 2 submitters: Uncertain significance (2). Last evaluated 2025-07-15.

Conditions:
Frontotemporal dementia and/or amyotrophic lateral sclerosis 1 (FTDALS1). Also called: Frontotemporal dementia with motor neuron disease 1; C9orf72 Frontotemporal Dementia and/or Amyotrophic Lateral Sclerosis. Identifiers: Orphanet 275872, MedGen C5779877, MONDO:0007105, OMIM 105550.
Paget disease of bone 2, early-onset (PDB2). Also called: Paget disease of bone 2. Identifiers: MedGen C4085251, MONDO:0011183, OMIM 602080.
Inborn genetic diseases. Identifiers: MedGen C0950123, MeSH D030342.

Allele frequency attached by ClinVar (database versions not stated): TOPMed below 0.00001; gnomAD 0.00001.

Submissions (2):

Ambry Genetics
Classification: Uncertain significance for Inborn genetic diseases. Last evaluated: 2025-07-15. Review status: criteria provided, single submitter. Criteria: Ambry Variant Classification Scheme 2023. Collection method: clinical testing. Allele origin: germline.

Labcorp Genetics (formerly Invitae), Labcorp
Classification: Uncertain significance for Paget disease of bone 2, early-onset; Frontotemporal dementia and/or amyotrophic lateral sclerosis 1. Last evaluated: 2022-10-13. Review status: criteria provided, single submitter. Criteria: Invitae Variant Classification Sherloc (09022015). Collection method: clinical testing. Allele origin: germline.
Comment: In summary, the available evidence is currently insufficient to determine the role of this variant in disease. Therefore, it has been classified as a Variant of Uncertain Significance. Algorithms developed to predict the effect of missense changes on protein structure and function (SIFT, PolyPhen-2, Align-GVGD) all suggest that this variant is likely to be tolerated. This variant has not been reported in the literature in individuals affected with SQSTM1-related conditions. This variant is not present in population databases (gnomAD no frequency). This sequence change replaces alanine, which is neutral and non-polar, with threonine, which is neutral and polar, at codon 33 of the SQSTM1 protein (p.Ala33Thr).